The following is an entry in ClinVar:

ClinVar aggregate classification (germline): Conflicting classifications of pathogenicity. Review status: criteria provided, conflicting classifications (1 of 4 stars). 3 submissions from 3 submitters: Likely pathogenic (1); Uncertain significance (1). 1 of the submissions does not count toward it. Last evaluated 2024-08-16.

Conditions:
Medium-chain acyl-coenzyme A dehydrogenase deficiency (ACADMD). Also called: CARNITINE DEFICIENCY SECONDARY TO MEDIUM-CHAIN ACYL-CoA DEHYDROGENASE DEFICIENCY; MCADH DEFICIENCY; ACADM DEFICIENCY; MCADD; Medium chain acyl-CoA dehydrogenase deficiency; MCAD Deficiency. Identifiers: Orphanet 42, MedGen C0220710, MONDO:0008721, OMIM 201450.

Submissions (3):

Blueprint Genetics
Classification: Uncertain significance. Last evaluated: 2024-08-16. Review status: criteria provided, single submitter. Criteria: ACMG Guidelines, 2015. Collection method: clinical testing. Allele origin: germline.

Labcorp Genetics (formerly Invitae), Labcorp
Classification: Likely pathogenic for Medium-chain acyl-coenzyme A dehydrogenase deficiency. Last evaluated: 2023-03-10. Review status: criteria provided, single submitter. Criteria: Invitae Variant Classification Sherloc (09022015). Collection method: clinical testing. Allele origin: germline.
Comment: In summary, the currently available evidence indicates that the variant is pathogenic, but additional data are needed to prove that conclusively. Therefore, this variant has been classified as Likely Pathogenic. Advanced modeling of protein sequence and biophysical properties (such as structural, functional, and spatial information, amino acid conservation, physicochemical variation, residue mobility, and thermodynamic stability) performed at Invitae indicates that this missense variant is expected to disrupt ACADM protein function. ClinVar contains an entry for this variant (Variation ID: 846754). This missense change has been observed in individual(s) with clinical features of medium chain acyl-CoA dehydrogenase deficiency (Invitae). In at least one individual the data is consistent with being in trans (on the opposite chromosome) from a pathogenic variant. This variant is not present in population databases (gnomAD no frequency). This sequence change replaces alanine, which is neutral and non-polar, with threonine, which is neutral and polar, at codon 198 of the ACADM protein (p.Ala198Thr).

Natera, Inc.
Classification: Uncertain significance for Medium-chain acyl-coenzyme a dehydrogenase deficiency. Last evaluated: 2020-09-16. Review status: no assertion criteria provided. Collection method: clinical testing. Allele origin: germline. Not counted in ClinVar's aggregate classification.

NM_000016.6(ACADM):c.592G>A (p.Ala198Thr)

Gene: ACADM (acyl-CoA dehydrogenase medium chain; plus strand). Cytogenetic location: 1p31.1.
Variant type: single nucleotide variant.
Coding change: c.592G>A on transcript NM_000016.6 (MANE Select); coding-DNA position 592, G replaced by A.
Protein change: p.Ala198Thr; replaces alanine 198 with threonine.
Molecular consequence: missense variant.
Genome position (GRCh38, 1-based): chr1:75,740,103, G>A. VCF-style: chr1-75740103-G-A. GRCh37 (hg19) VCF-style: chr1-76205788-G-A.
Other names: c.604G>A, p.Ala202Thr (NM_001127328.3); c.484G>A, p.Ala162Thr (NM_001286042.2); c.691G>A, p.Ala231Thr (NM_001286043.2); c.25G>A, p.Ala9Thr (NM_001286044.2); short protein forms A198T, A9T, A162T, A202T, A231T.
Identifiers: ClinVar variation 846754 (VCV000846754.11), dbSNP rs1647485086, ClinGen allele CA340815457.